The following is an entry in ClinVar:

ClinVar aggregate classification (germline): Pathogenic/Likely pathogenic. Review status: criteria provided, multiple submitters, no conflicts (2 of 4 stars). 5 submissions from 5 submitters: Pathogenic (4); Likely pathogenic (1). Last evaluated 2025-07-17.

Conditions:
SGCB-related disorder. Also called: SGCB-related condition.
Autosomal recessive limb-girdle muscular dystrophy. Identifiers: Orphanet 102015, MedGen C2931907, MONDO:0015152.
Autosomal recessive limb-girdle muscular dystrophy type 2E (LGMDR4). Also called: MUSCULAR DYSTROPHY, LIMB-GIRDLE, AUTOSOMAL RECESSIVE 4. Identifiers: Orphanet 119, MedGen C1858593, MONDO:0011423, OMIM 604286. Disease mechanism: Affects gamma-sarcoglycan and also disrupts the integrity of the entire sarcoglycan complex..

Submissions (5):

Natera, Inc.
Classification: Likely pathogenic for Limb-girdle muscular dystrophy type 2E. Last evaluated: 2025-07-17. Review status: criteria provided, single submitter. Criteria: Natera Variant Classification Schema (03/2026). Collection method: clinical testing. Allele origin: germline.
Comment: The c.518dup variant in SGCB is a frameshift variant predicted to shift the reading frame beginning at codon 174 and leads to a stop codon 12 codons downstream. This variant is expected to result in nonsense mediated decay, truncation, or a dysfunctional protein product. This variant is rare in the general population with a frequency below the threshold expected for the associated phenotype(s). Given the available evidence, this variant is classified as Likely Pathogenic.

Myriad Genetics, Inc.
Classification: Pathogenic for Autosomal recessive limb-girdle muscular dystrophy type 2E. Last evaluated: 2025-06-29. Review status: criteria provided, single submitter. Criteria: Myriad Autosomal Dominant, Autosomal Recessive and X-Linked Classification Criteria (2023). Collection method: clinical testing. Allele origin: unknown.
Comment: NM_000232.4(SGCB):c.518dupC(R174Efs*12) is expected to be pathogenic in the context of beta-sarcoglycanopathy. This variant is predicted to lead to an abnormal or absent protein product due to the creation of a premature termination codon in SGCB, a gene where loss-of-function variants are known to be pathogenic. Please note: this variant was assessed in the context of healthy population screening.

Fulgent Genetics
Classification: Pathogenic for Autosomal recessive limb-girdle muscular dystrophy type 2E. Last evaluated: 2024-03-15. Review status: criteria provided, single submitter. Criteria: ACMG Guidelines, 2015. Collection method: clinical testing. Allele origin: germline.

Women's Health and Genetics/Laboratory Corporation of America, LabCorp
Classification: Pathogenic for Autosomal recessive limb-girdle muscular dystrophy. Last evaluated: 2024-03-13. Review status: criteria provided, single submitter. Criteria: LabCorp Variant Classification Summary - May 2015. Collection method: clinical testing. Allele origin: germline.
Comment: Variant summary: SGCB c.518dupC (p.Arg174GlufsX12) results in a premature termination codon, predicted to cause a truncation of the encoded protein or absence of the protein due to nonsense mediated decay, which are commonly known mechanisms for disease. The variant was absent in 251434 control chromosomes. c.518dupC has been reported in the literature in at least one homozygous individual affected with Limb-Girdle Muscular Dystrophy, Autosomal Recessive (e.g., Semplicini_2015). The following publication have been ascertained in the context of this evaluation (PMID: 25862795). No submitters have cited clinical-significance assessments for this variant to ClinVar. Based on the evidence outlined above, the variant was classified as pathogenic.

Blueprint Genetics
Classification: Pathogenic for SGCB-related disorders. Last evaluated: 2018-01-01. Review status: criteria provided, single submitter. Criteria: ACMG Guidelines, 2015. Collection method: clinical testing. Allele origin: germline. Affected: yes. Observed: 1 variant allele.

Literature cited by the submitters: PubMed 25862795 (cited by Women's Health and Genetics/Laboratory Corporation of America, LabCorp).

NM_000232.5(SGCB):c.518dup (p.Arg174fs)

Gene: SGCB (sarcoglycan beta; minus strand). Cytogenetic location: 4q12.
Variant type: Duplication.
Coding change: c.518dup on transcript NM_000232.5 (MANE Select); coding-DNA position 518, one base duplicated (C; older notation c.518dupC).
Protein change: p.Arg174fs; shifts the reading frame from arginine 174.
Molecular consequence: frameshift variant.
Genome position (GRCh38, 1-based): chr4:52,028,833, G duplicated on the plus strand (C on the coding strand, the reverse complement: SGCB is on the minus strand); the first of 3 consecutive G bases (chr4:52,028,833-52,028,835); duplicating any one gives the same sequence. VCF-style (leftmost placement, unchanged base first): chr4-52028832-C-CG. GRCh37 (hg19) VCF-style: chr4-52894998-C-CG.
Other names: c.518dupC (NM_000232.5); c.518dup (NM_000232.4); short protein forms R174fs.
Identifiers: ClinVar variation 3233985 (VCV003233985.6), dbSNP rs2475221832, ClinGen allele CA915940545.